The following is an entry in ClinVar:

ClinVar aggregate classification (germline): Uncertain significance. Review status: criteria provided, multiple submitters, no conflicts (2 of 4 stars). 2 submissions from 2 submitters: Uncertain significance (2). Last evaluated 2025-04-04.

Conditions:
Inborn genetic diseases. Identifiers: MedGen C0950123, MeSH D030342.

Allele frequency attached by ClinVar (database versions not stated): gnomAD 0.00001; gnomAD exomes 0.00001; ExAC 0.00002; TOPMed 0.00002.
gnomAD v4.1: 13 of 1,613,988 alleles (0.00081%); highest among the groups gnomAD compares: South Asian, 0.0011%; no homozygotes.

Submissions (2):

Ambry Genetics
Classification: Uncertain significance for Inborn genetic diseases. Last evaluated: 2025-04-04. Review status: criteria provided, single submitter. Criteria: Ambry Variant Classification Scheme 2023. Collection method: clinical testing. Allele origin: germline.
Comment: The p.R308C variant (also known as c.922C>T), located in coding exon 6 of the MECOM gene, results from a C to T substitution at nucleotide position 922. The arginine at codon 308 is replaced by cysteine, an amino acid with highly dissimilar properties. This amino acid position is conserved. In addition, the in silico prediction for this alteration is inconclusive. Based on the available evidence, the clinical significance of this variant remains unclear.

Labcorp Genetics (formerly Invitae), Labcorp
Classification: Uncertain significance. Last evaluated: 2023-11-12. Review status: criteria provided, single submitter. Criteria: Invitae Variant Classification Sherloc (09022015). Collection method: clinical testing. Allele origin: germline.
Comment: This sequence change replaces arginine, which is basic and polar, with cysteine, which is neutral and slightly polar, at codon 120 of the MECOM protein (p.Arg120Cys). This variant is present in population databases (rs745329183, gnomAD 0.004%). This variant has not been reported in the literature in individuals affected with MECOM-related conditions. An algorithm developed to predict the effect of missense changes on protein structure and function (PolyPhen-2) suggests that this variant is likely to be disruptive. In summary, the available evidence is currently insufficient to determine the role of this variant in disease. Therefore, it has been classified as a Variant of Uncertain Significance.

NM_004991.4(MECOM):c.922C>T (p.Arg308Cys)

Gene: MECOM (MDS1 and EVI1 complex locus; minus strand). Cytogenetic location: 3q26.2.
Variant type: single nucleotide variant.
Coding change: c.922C>T on transcript NM_004991.4 (MANE Select); coding-DNA position 922, C replaced by T.
Protein change: p.Arg308Cys; replaces arginine 308 with cysteine.
Molecular consequence: missense variant.
Genome position (GRCh38, 1-based): chr3:169,122,636, G>A on the plus strand (C>T on the coding strand, the complement: MECOM is on the minus strand). VCF-style: chr3-169122636-G-A. GRCh37 (hg19) VCF-style: chr3-168840424-G-A.
Other names: c.922C>T (NM_004991.3); c.358C>T, p.Arg120Cys (NM_001366469.2, NM_001366470.2, NM_001366471.2 and 9 more transcripts); c.922C>T, p.Arg308Cys (NM_001366473.2, NM_001366466.2); c.550C>T, p.Arg184Cys (NM_001105077.4); short protein forms R308C, R120C, R184C.
Identifiers: ClinVar variation 2775616 (VCV002775616.5), dbSNP rs745329183, ClinGen allele CA2696432.